The following is an entry in ClinVar:

ClinVar aggregate classification (germline): Uncertain significance (1 of 4 stars; one submission).

Submission:

GeneDx
Classification: Uncertain significance. Last evaluated: 2025-02-13. Review status: criteria provided, single submitter. Criteria: GeneDx Variant Classification Process June 2021. Collection method: clinical testing. Allele origin: germline.
Comment: Not observed at significant frequency in large population cohorts (gnomAD); In silico analysis supports that this missense variant has a deleterious effect on protein structure/function; Has not been previously published as pathogenic or benign to our knowledge

NM_001348716.2(KDM6B):c.4188C>A (p.Phe1396Leu)

Genes: KDM6B (lysine demethylase 6B; plus strand), LOC121587574 (Sharpr-MPRA regulatory region 3930; plus strand). Cytogenetic location: 17p13.1.
Variant type: single nucleotide variant.
Coding change: c.4188C>A on transcript NM_001348716.2 (MANE Select); coding-DNA position 4188, C replaced by A.
Protein change: p.Phe1396Leu; replaces phenylalanine 1396 with leucine.
Molecular consequence: missense variant.
Genome position (GRCh38, 1-based): chr17:7,851,973, C>A. VCF-style: chr17-7851973-C-A. GRCh37 (hg19) VCF-style: chr17-7755291-C-A.
Other names: c.4188C>A, p.Phe1396Leu (NM_001080424.2); short protein forms F1396L.
Identifiers: ClinVar variation 2444566 (VCV002444566.2), dbSNP rs758374059, ClinGen allele CA397927183.